The following is an entry in ClinVar:

ClinVar aggregate classification (germline): Uncertain significance (1 of 4 stars; one submission).

Conditions:
Atrioventricular septal defect 5 (AVSD5). Identifiers: MedGen C3280939, MONDO:0013769, OMIM 614474.

gnomAD v4.1: 2 of 1,602,366 alleles (0.00012%); highest among the groups gnomAD compares: African/African-American, 0.0027%; no homozygotes.

Submission:

Labcorp Genetics (formerly Invitae), Labcorp
Classification: Uncertain significance for Atrioventricular septal defect 5. Last evaluated: 2025-01-13. Review status: criteria provided, single submitter. Criteria: Invitae Variant Classification Sherloc (09022015). Collection method: clinical testing. Allele origin: germline.
Comment: This sequence change replaces lysine, which is basic and polar, with asparagine, which is neutral and polar, at codon 135 of the GATA6 protein (p.Lys135Asn). This variant is not present in population databases (gnomAD no frequency). This variant has not been reported in the literature in individuals affected with GATA6-related conditions. Invitae Evidence Modeling of protein sequence and biophysical properties (such as structural, functional, and spatial information, amino acid conservation, physicochemical variation, residue mobility, and thermodynamic stability) indicates that this missense variant is not expected to disrupt GATA6 protein function with a negative predictive value of 80%. In summary, the available evidence is currently insufficient to determine the role of this variant in disease. Therefore, it has been classified as a Variant of Uncertain Significance.

NM_005257.6(GATA6):c.405G>T (p.Lys135Asn)

Gene: GATA6 (GATA binding protein 6; plus strand). Cytogenetic location: 18q11.2.
Variant type: single nucleotide variant.
Coding change: c.405G>T on transcript NM_005257.6 (MANE Select); coding-DNA position 405, G replaced by T.
Protein change: p.Lys135Asn; replaces lysine 135 with asparagine.
Molecular consequence: missense variant.
Genome position (GRCh38, 1-based): chr18:22,171,549, G>T. VCF-style: chr18-22171549-G-T. GRCh37 (hg19) VCF-style: chr18-19751510-G-T.
Other names: short protein forms K135N.
Identifiers: ClinVar variation 3717566 (VCV003717566.2).
Genomic context (GRCh38, chr18:22,171,549, plus strand): 5'-CACTGACCTCGACCAAGCCGCGACCGCCAGCAAGCTGCTGTGGTCCAGCCGCGGCGCCAA[G>T]CTGAGCCCCTTCGCACCCGAGCAGCCGGAGGAGATGTACCAGACCCTCGCCGCTCTCTCC-3'
Protein context (NP_005248.2, residues 125-145): SKLLWSSRGA[Lys135Asn]LSPFAPEQPE